The following is an entry in ClinVar:

ClinVar aggregate classification (germline): Pathogenic (1 of 4 stars; one submission).

Submission:

Mayo Clinic Laboratories, Mayo Clinic
Classification: Pathogenic. Last evaluated: 2021-10-19. Review status: criteria provided, single submitter. Criteria: ACMG Guidelines, 2015. Collection method: clinical testing. Allele origin: germline.
Comment: PP4, PM2, PVS1

NM_000548.5(TSC2):c.3742_3751del (p.Ala1248fs)

Gene: TSC2 (TSC complex subunit 2; plus strand). Cytogenetic location: 16p13.3.
Variant type: Deletion.
Coding change: c.3742_3751del on transcript NM_000548.5 (MANE Select); coding-DNA positions 3742 to 3751, 10 bases deleted (GCCCTGTACA; older notation c.3742_3751delGCCCTGTACA).
Protein change: p.Ala1248fs; shifts the reading frame from alanine 1248.
Molecular consequence: frameshift variant.
Genome position (GRCh38, 1-based): chr16:2,081,726-2,081,735, GCCCTGTACA deleted; deleting any 10 consecutive bases within chr16:2,081,723-2,081,735 gives the same sequence; the c. name uses the placement nearest the transcript's 3' end. VCF-style (leftmost placement, unchanged base first): chr16-2081722-CACAGCCCTGT-C. GRCh37 (hg19) VCF-style: chr16-2131723-CACAGCCCTGT-C.
Other names: c.3610_3619del, p.Ala1204fs (NM_001077183.3, NM_001370404.1); c.3742_3751del, p.Ala1248fs (NM_001114382.3); c.3502_3511del, p.Ala1168fs (NM_001318827.2); c.3466_3475del, p.Ala1156fs (NM_001318829.2); c.3010_3019del, p.Ala1004fs (NM_001318831.2); c.3643_3652del, p.Ala1215fs (NM_001318832.2); c.3613_3622del, p.Ala1205fs (NM_001363528.2, NM_001370405.1, NM_021055.3); short protein forms A1004fs, A1156fs, A1168fs, A1204fs, A1205fs, A1215fs, A1248fs.
Identifiers: ClinVar variation 1686647 (VCV001686647.4), dbSNP rs2151483315, ClinGen allele CA2573151545.